The following is an entry in ClinVar:

NM_032444.4(SLX4):c.537G>T (p.Glu179Asp)

Gene: SLX4 (SLX4 structure-specific endonuclease subunit; minus strand). Cytogenetic location: 16p13.3.
Variant type: single nucleotide variant.
Coding change: c.537G>T on transcript NM_032444.4 (MANE Select); coding-DNA position 537, G replaced by T.
Protein change: p.Glu179Asp; replaces glutamic acid 179 with aspartic acid.
Molecular consequence: missense variant.
Genome position (GRCh38, 1-based): chr16:3,606,697, C>A on the plus strand (G>T on the coding strand, the complement: SLX4 is on the minus strand). VCF-style: chr16-3606697-C-A. GRCh37 (hg19) VCF-style: chr16-3656698-C-A.
Other names: c.537G>T (LRG_503t1); short protein forms E179D.
Identifiers: ClinVar variation 526375 (VCV000526375.13), dbSNP rs758789462, ClinGen allele CA7866828.

ClinVar aggregate classification (germline): Uncertain significance. Review status: criteria provided, multiple submitters, no conflicts (2 of 4 stars). 4 submissions from 4 submitters: Uncertain significance (4). Last evaluated 2022-09-24.

Conditions:
Fanconi anemia complementation group P. Also called: SLX4-Related Fanconi Anemia. Identifiers: Orphanet 84, MedGen C3469542, MONDO:0013499, OMIM 613951.
Fanconi anemia (FA). Also called: Fanconi's anemia. Identifiers: Orphanet 84, MedGen C0015625, MeSH D005199, MONDO:0019391.

Allele frequency attached by ClinVar (database versions not stated): TOPMed 0.00016; gnomAD 0.00017 and 0.00018.
gnomAD v4.1: 544 of 1,613,938 alleles (0.034%); highest among the groups gnomAD compares: Non-Finnish European, 0.043%; no homozygotes.

Submissions (4):

Labcorp Genetics (formerly Invitae), Labcorp
Classification: Uncertain significance for Fanconi anemia. Last evaluated: 2022-09-24. Review status: criteria provided, single submitter. Criteria: Invitae Variant Classification Sherloc (09022015). Collection method: clinical testing. Allele origin: germline.
Comment: This sequence change replaces glutamic acid, which is acidic and polar, with aspartic acid, which is acidic and polar, at codon 179 of the SLX4 protein (p.Glu179Asp). This variant is present in population databases (rs758789462, gnomAD 0.02%). This variant has not been reported in the literature in individuals affected with SLX4-related conditions. ClinVar contains an entry for this variant (Variation ID: 526375). Algorithms developed to predict the effect of missense changes on protein structure and function output the following: SIFT: "Deleterious"; PolyPhen-2: "Benign"; Align-GVGD: "Class C0". The aspartic acid amino acid residue is found in multiple mammalian species, which suggests that this missense change does not adversely affect protein function. Algorithms developed to predict the effect of sequence changes on RNA splicing suggest that this variant may disrupt the consensus splice site. In summary, the available evidence is currently insufficient to determine the role of this variant in disease. Therefore, it has been classified as a Variant of Uncertain Significance.

Fulgent Genetics
Classification: Uncertain significance for Fanconi anemia complementation group P. Last evaluated: 2022-03-01. Review status: criteria provided, single submitter. Criteria: ACMG Guidelines, 2015. Collection method: clinical testing. Allele origin: unknown.

Genetic Services Laboratory, University of Chicago
Classification: Uncertain significance. Last evaluated: 2018-04-16. Review status: criteria provided, single submitter. Criteria: ACMG Guidelines, 2015. Collection method: clinical testing. Allele origin: germline. Affected: no.

Illumina Laboratory Services, Illumina
Classification: Uncertain significance for Fanconi anemia complementation group P. Last evaluated: 2018-01-12. Review status: criteria provided, single submitter. Criteria: ICSL Variant Classification Criteria 13 December 2019. Collection method: clinical testing. Allele origin: germline.